The following is an entry in ClinVar:

NM_000135.4(FANCA):c.3032G>A (p.Arg1011His)

Gene: FANCA (FA complementation group A; minus strand). Cytogenetic location: 16q24.3.
Variant type: single nucleotide variant.
Coding change: c.3032G>A on transcript NM_000135.4 (MANE Select); coding-DNA position 3032, G replaced by A.
Protein change: p.Arg1011His; replaces arginine 1011 with histidine.
Molecular consequence: missense variant.
Genome position (GRCh38, 1-based): chr16:89,752,172, C>T on the plus strand (G>A on the coding strand, the complement: FANCA is on the minus strand). VCF-style: chr16-89752172-C-T. GRCh37 (hg19) VCF-style: chr16-89818580-C-T.
Other names: c.3032G>A (LRG_495t1, NM_000135.3); c.3032G>A, p.Arg1011His (NM_001286167.3); short protein forms R1011H.
Identifiers: ClinVar variation 576577 (VCV000576577.15), dbSNP rs200022826, ClinGen allele CA8251373.

ClinVar aggregate classification (germline): Conflicting classifications of pathogenicity. Review status: criteria provided, conflicting classifications (1 of 4 stars). 6 submissions from 6 submitters: Uncertain significance (4); Likely benign (1). 1 of the submissions does not count toward it. Last evaluated 2025-12-09.

Conditions:
Fanconi anemia (FA). Also called: Fanconi's anemia. Identifiers: Orphanet 84, MedGen C0015625, MeSH D005199, MONDO:0019391.
Fanconi anemia complementation group A (FANCA). Also called: FANCA-Related Fanconi Anemia; Fanconi anemia, group A. Identifiers: Orphanet 84, MedGen C3469521, MONDO:0009215, OMIM 227650.

Allele frequency attached by ClinVar (database versions not stated): ExAC 0.00003; gnomAD exomes 0.00003 and 0.00006; gnomAD 0.00004; TOPMed 0.00005; 1000 Genomes Project 0.00020; 1000 Genomes Project 30x 0.00031.
gnomAD v4.1: 98 of 1,614,020 alleles (0.0061%); highest among the groups gnomAD compares: Non-Finnish European, 0.0075%; 1 homozygote.

Submissions (6):

Labcorp Genetics (formerly Invitae), Labcorp
Classification: Likely benign for Fanconi anemia. Last evaluated: 2025-12-09. Review status: criteria provided, single submitter. Criteria: Invitae Variant Classification Sherloc (09022015). Collection method: clinical testing. Allele origin: germline.

Quest Diagnostics Nichols Institute San Juan Capistrano
Classification: Uncertain significance. Last evaluated: 2025-03-28. Review status: criteria provided, single submitter. Criteria: Quest Diagnostics criteria. Collection method: clinical testing. Allele origin: unknown.
Comment: The FANCA c.3032G>A (p.Arg1011His) variant has been identified in the published literature in reportedly unaffected individuals (PMID: 32546565 (2021)). The frequency of this variant in the general population (Genome Aggregation Database) is uninformative in the assessment of its pathogenicity. Analysis of this variant using bioinformatics tools for the prediction of the effect of amino acid changes on protein structure and function yielded predictions that this variant is benign. Based on the available information, we are unable to determine the clinical significance of this variant.

Fulgent Genetics
Classification: Uncertain significance for Fanconi anemia complementation group A. Last evaluated: 2024-04-03. Review status: criteria provided, single submitter. Criteria: ACMG Guidelines, 2015. Collection method: clinical testing. Allele origin: germline.

GeneDx
Classification: Uncertain significance. Last evaluated: 2022-08-29. Review status: criteria provided, single submitter. Criteria: GeneDx Variant Classification Process June 2021. Collection method: clinical testing. Allele origin: germline. Affected: yes.
Comment: In silico analysis supports that this missense variant does not alter protein structure/function; Has not been previously published as pathogenic or benign to our knowledge

Genetic Services Laboratory, University of Chicago
Classification: Uncertain significance. Last evaluated: 2020-02-04. Review status: criteria provided, single submitter. Criteria: ACMG Guidelines, 2015. Collection method: clinical testing. Allele origin: germline. Affected: no.

Natera, Inc.
Classification: Uncertain significance for Fanconi anemia, group A. Last evaluated: 2020-09-16. Review status: no assertion criteria provided. Collection method: clinical testing. Allele origin: germline. Not counted in ClinVar's aggregate classification.

Literature cited by the submitters: PubMed 32546565 (cited by Quest Diagnostics Nichols Institute San Juan Capistrano).